The following is an entry in ClinVar:

NM_000020.3(ACVRL1):c.772+6G>A

Gene: ACVRL1 (activin A receptor like type 1; plus strand). Cytogenetic location: 12q13.13.
Variant type: single nucleotide variant.
Coding change: c.772+6G>A on transcript NM_000020.3 (MANE Select); 6 bases into the intron after coding-DNA position 772, G replaced by A.
Molecular consequence: intron variant.
Genome position (GRCh38, 1-based): chr12:51,914,591, G>A. VCF-style: chr12-51914591-G-A. GRCh37 (hg19) VCF-style: chr12-52308375-G-A.
Other names: p.?; c.772+6G>A (NM_001077401.2).
Identifiers: ClinVar variation 389037 (VCV000389037.3), dbSNP rs778170281, ClinGen allele CA6572981.

ClinVar aggregate classification (germline): Likely benign. Review status: criteria provided, multiple submitters, no conflicts (2 of 4 stars). 3 submissions from 3 submitters: Likely benign (3). Last evaluated 2025-07-14.

Allele frequency attached by ClinVar (database versions not stated): gnomAD 0.00001; gnomAD exomes 0.00001 and 0.00002; ExAC 0.00002; TOPMed 0.00004.
gnomAD v4.1: 12 of 1,610,740 alleles (0.00074%); highest among the groups gnomAD compares: Admixed American, 0.005%; no homozygotes.

Submissions (3):

Mayo Clinic Laboratories, Mayo Clinic
Classification: Likely benign. Last evaluated: 2025-07-14. Review status: criteria provided, single submitter. Criteria: ACMG Guidelines, 2015. Collection method: clinical testing. Allele origin: germline. Observed: 3 variant alleles.
Comment: BP4, BP7

Blueprint Genetics
Classification: Likely benign. Last evaluated: 2023-12-13. Review status: criteria provided, single submitter. Criteria: ACMG Guidelines, 2015. Collection method: clinical testing. Allele origin: germline.

GeneDx
Classification: Likely benign. Last evaluated: 2016-08-30. Review status: criteria provided, single submitter. Criteria: GeneDx Variant Classification (06012015). Collection method: clinical testing. Allele origin: germline. Affected: yes.
Comment: This variant is considered likely benign or benign based on one or more of the following criteria: it is a conservative change, it occurs at a poorly conserved position in the protein, it is predicted to be benign by multiple in silico algorithms, and/or has population frequency not consistent with disease.